The following is an entry in ClinVar:

ClinVar aggregate classification (germline): Conflicting classifications of pathogenicity. Review status: criteria provided, conflicting classifications (1 of 4 stars). 4 submissions from 4 submitters: Uncertain significance (3); Likely benign (1). Last evaluated 2025-12-08.

Conditions:
Hereditary breast ovarian cancer syndrome. Also called: Breast and ovarian cancer; BRCA1- and BRCA2-Associated Hereditary Breast and Ovarian Cancer; Hereditary breast and ovarian cancer; Hereditary breast and ovarian cancer syndrome (HBOC); Hereditary breast and/or ovarian cancer syndrome; Hereditary breast and ovarian cancer syndrome. Identifiers: Orphanet 145, MedGen C0677776, MeSH D061325, MONDO:0003582. Disease mechanism: loss of function.
Hereditary cancer-predisposing syndrome. Also called: Neoplastic Syndromes, Hereditary; Tumor predisposition; Hereditary Cancer Syndrome; Hereditary neoplastic syndrome. Identifiers: Orphanet 140162, MedGen C0027672, MeSH D009386, MONDO:0015356.

Allele frequency attached by ClinVar (database versions not stated): gnomAD exomes below 0.00001.
gnomAD v4.1: 1 of 1,614,162 alleles (0.000062%); highest among the groups gnomAD compares: Non-Finnish European, 0.000085%; no homozygotes.

Submissions (4):

Labcorp Genetics (formerly Invitae), Labcorp
Classification: Uncertain significance for Hereditary breast ovarian cancer syndrome. Last evaluated: 2025-12-08. Review status: criteria provided, single submitter. Criteria: Invitae Variant Classification Sherloc (09022015). Collection method: clinical testing. Allele origin: germline.
Comment: This sequence change replaces lysine, which is basic and polar, with glutamic acid, which is acidic and polar, at codon 3360 of the BRCA2 protein (p.Lys3360Glu). This variant is not present in population databases (gnomAD no frequency). This missense change has been observed in individual(s) with personal or family history of breast and/or ovarian cancer (PMID: 21120943, 31851867, 32599251, 32994724). ClinVar contains an entry for this variant (Variation ID: 648957). Invitae Evidence Modeling of protein sequence and biophysical properties (such as structural, functional, and spatial information, amino acid conservation, physicochemical variation, residue mobility, and thermodynamic stability) indicates that this missense variant is not expected to disrupt BRCA2 protein function with a negative predictive value of 95%. In summary, the available evidence is currently insufficient to determine the role of this variant in disease. Therefore, it has been classified as a Variant of Uncertain Significance.

Center for Genomic Medicine, Rigshospitalet, Copenhagen University Hospital
Classification: Likely benign. Last evaluated: 2025-03-04. Review status: criteria provided, single submitter. Criteria: ACMG Guidelines, 2015. Collection method: clinical testing. Allele origin: germline.

Ambry Genetics
Classification: Uncertain significance for Hereditary cancer-predisposing syndrome. Last evaluated: 2022-06-21. Review status: criteria provided, single submitter. Criteria: Ambry Variant Classification Scheme 2023. Collection method: clinical testing. Allele origin: germline.
Comment: The p.K3360E variant (also known as c.10078A>G), located in coding exon 26 of the BRCA2 gene, results from an A to G substitution at nucleotide position 10078. The lysine at codon 3360 is replaced by glutamic acid, an amino acid with similar properties. This alteration has been identified in individuals considered high risk for Hereditary Breast and/or Ovarian Cancer (Caux-Moncoutier V et al. Hum. Mutat., 2011 Mar;32:325-34; Peker Ey&uuml;bolu et al. OMICS, 2020 01;24:5-15). This alteration has also been identified in an individual diagnosed with breast cancer (Alanazi M et al. Saudi J Biol Sci, 2020 Oct;27:2651-2659). This alteration was not observed in 53 unselected male breast cancer patients and was observed with an allele frequency of 0.0001 in 12,490 male controls of Japanese ancestry (Momozawa Y et al. Nat Commun, 2018 10;9:4083). This amino acid position is poorly conserved in available vertebrate species. In addition, this alteration is predicted to be tolerated by in silico analysis. Since supporting evidence is limited at this time, the clinical significance of this alteration remains unclear.

Color Diagnostics, LLC DBA Color Health
Classification: Uncertain significance for Hereditary cancer-predisposing syndrome. Last evaluated: 2021-04-21. Review status: criteria provided, single submitter. Criteria: ACMG Guidelines, 2015. Collection method: clinical testing. Allele origin: germline.
Comment: This missense variant replaces lysine with glutamic acid at codon 3360 of the BRCA2 protein. Computational prediction suggests that this variant may not impact protein structure and function (internally defined REVEL score threshold <= 0.5, PMID: 27666373). To our knowledge, functional studies have not been reported for this variant. This variant has been detected in at least three individuals affected with breast cancer (PMID: 32599251, 32994724; Color internal data) and two suspected hereditary breast and ovarian cancer families (PMID: 21120943, 31851867). This variant also has been reported in breast, prostate and pancreatic cancer case-control studies in which this variant was detected in one unaffected individual in each study and was absent in cancer cases (PMID: 30287823, 31214711, 32980694). This variant has not been identified in the general population by the Genome Aggregation Database (gnomAD). The available evidence is insufficient to determine the role of this variant in disease conclusively. Therefore, this variant is classified as a Variant of Uncertain Significance.

Literature cited by the submitters: PubMed 21120943 (cited by Labcorp Genetics (formerly Invitae), Labcorp and Ambry Genetics); PubMed 31851867 (cited by Labcorp Genetics (formerly Invitae), Labcorp and Ambry Genetics); PubMed 32599251 (cited by Labcorp Genetics (formerly Invitae), Labcorp); PubMed 32994724 (cited by Labcorp Genetics (formerly Invitae), Labcorp and Ambry Genetics); PubMed 30287823 (cited by Center for Genomic Medicine, Rigshospitalet, Copenhagen University Hospital and Ambry Genetics); PubMed 3259922 (cited by Center for Genomic Medicine, Rigshospitalet, Copenhagen University Hospital).

NM_000059.4(BRCA2):c.10078A>G (p.Lys3360Glu)

Gene: BRCA2 (BRCA2 DNA repair associated; plus strand). Cytogenetic location: 13q13.1.
Variant type: single nucleotide variant.
Coding change: c.10078A>G on transcript NM_000059.4 (MANE Select); coding-DNA position 10078, A replaced by G.
Protein change: p.Lys3360Glu; replaces lysine 3360 with glutamic acid.
Molecular consequence: missense variant.
Genome position (GRCh38, 1-based): chr13:32,398,591, A>G. VCF-style: chr13-32398591-A-G. GRCh37 (hg19) VCF-style: chr13-32972728-A-G.
Other names: short protein forms K3360E.
Identifiers: ClinVar variation 648957 (VCV000648957.25), dbSNP rs1593202262, ClinGen allele CA387767917.